The following is an entry in ClinVar:

ClinVar aggregate classification (germline): Uncertain significance (1 of 4 stars; one submission).

Conditions:
Joubert syndrome 21 (JBTS21). Identifiers: MedGen C3810212, MONDO:0014288, OMIM 615636.

Allele frequency attached by ClinVar (database versions not stated): gnomAD exomes below 0.00001.

Submission:

Labcorp Genetics (formerly Invitae), Labcorp
Classification: Uncertain significance for Joubert syndrome 21. Last evaluated: 2024-02-24. Review status: criteria provided, single submitter. Criteria: Invitae Variant Classification Sherloc (09022015). Collection method: clinical testing. Allele origin: germline.
Comment: This sequence change replaces arginine, which is basic and polar, with lysine, which is basic and polar, at codon 308 of the CSPP1 protein (p.Arg308Lys). This variant is present in population databases (no rsID available, gnomAD 0.0009%). This variant has not been reported in the literature in individuals affected with CSPP1-related conditions. ClinVar contains an entry for this variant (Variation ID: 1368762). Algorithms developed to predict the effect of missense changes on protein structure and function output the following: SIFT: "Not Available"; PolyPhen-2: "Benign"; Align-GVGD: "Not Available". The lysine amino acid residue is found in multiple mammalian species, which suggests that this missense change does not adversely affect protein function. Algorithms developed to predict the effect of sequence changes on RNA splicing suggest that this variant may create or strengthen a splice site. In summary, the available evidence is currently insufficient to determine the role of this variant in disease. Therefore, it has been classified as a Variant of Uncertain Significance.

NM_001382391.1(CSPP1):c.896G>A (p.Arg299Lys)

Gene: CSPP1 (centrosome and spindle pole associated protein 1; plus strand). Cytogenetic location: 8q13.1.
Variant type: single nucleotide variant.
Coding change: c.896G>A on transcript NM_001382391.1 (MANE Select); coding-DNA position 896, G replaced by A.
Protein change: p.Arg299Lys; replaces arginine 299 with lysine.
Molecular consequence: missense variant.
Genome position (GRCh38, 1-based): chr8:67,095,705, G>A. VCF-style: chr8-67095705-G-A. GRCh37 (hg19) VCF-style: chr8-68007940-G-A.
Other names: c.923G>A, p.Arg308Lys (NM_024790.7, NM_001364870.1); c.896G>A, p.Arg299Lys (NM_001363132.2); c.815G>A, p.Arg272Lys (NM_001363133.2, NM_001363131.2); c.1004G>A, p.Arg335Lys (NM_001364869.1); c.41G>A, p.Arg14Lys (NM_001291339.2); short protein forms R299K, R14K, R272K, R308K, R335K.
Identifiers: ClinVar variation 1368762 (VCV001368762.6), dbSNP rs1339310127, ClinGen allele CA371191856.